The following is an entry in ClinVar:

ClinVar aggregate classification (germline): Uncertain significance. Review status: reviewed by expert panel (3 of 4 stars). 4 submissions from 4 submitters: Uncertain significance (1). 3 of the submissions do not count toward it. Last evaluated 2024-10-29.

Conditions:
Hereditary thrombocytopenia and hematologic cancer predisposition syndrome. Identifiers: Orphanet 71290, MedGen CN281654, MONDO:0011071.
Inborn genetic diseases. Identifiers: MedGen C0950123, MeSH D030342.
Hereditary thrombocytopenia and hematological cancer predisposition syndrome associated with RUNX1. Also called: PLATELET DISORDER, ASPIRIN-LIKE; Familial Platelet Disorder with Propensity to Acute Myelogenous Leukemia; Familial thrombocytopenia with propensity to acute myelogenous leukemia; RUNX1 Familial Platelet Disorder with Associated Myeloid Malignancies. Identifiers: Orphanet 71290, MedGen C1832388, MeSH C563324, MONDO:0100083, OMIM 601399.

Allele frequency attached by ClinVar (database versions not stated): TOPMed below 0.00001; gnomAD 0.00001; gnomAD exomes 0.00001.
gnomAD v4.1: 10 of 1,609,512 alleles (0.00062%); highest among the groups gnomAD compares: Non-Finnish European, 0.00085%; no homozygotes.

Submissions (4):

ClinGen Myeloid Malignancy Variant Curation Expert Panel
Classification: Uncertain significance for Hereditary thrombocytopenia and hematologic cancer predisposition syndrome. Last evaluated: 2024-10-29. Review status: reviewed by expert panel. Criteria: ClinGen MyeloMalig ACMG Specifications v2. Collection method: curation. Allele origin: germline. Inheritance: Autosomal dominant inheritance.
Comment: NM_001754.5(RUNX1):c.780C>A (p.Asn260Lys) is a missense variant. Multiple lines of computational evidence (REVEL: 0.401. SpliceAI: Δ score 0.01) suggest no impact on gene /gene product (BP4). This variant is completely absent from all population databases with at least 20x coverage for RUNX1 (PM2_supporting). In summary, the clinical significance of this variant is uncertain. ACMG/AMP criteria applied, as specified by the Myeloid Malignancy Variant Curation Expert Panel for RUNX1: BP4, PM2_supporting.

Ambry Genetics
Classification: Uncertain significance for Inborn genetic diseases. Last evaluated: 2025-01-10. Review status: criteria provided, single submitter. Criteria: Ambry Variant Classification Scheme 2023. Collection method: clinical testing. Allele origin: germline. Not counted in ClinVar's aggregate classification.
Comment: The p.N260K variant (also known as c.780C>A), located in coding exon 6 of the RUNX1 gene, results from a C to A substitution at nucleotide position 780. The asparagine at codon 260 is replaced by lysine, an amino acid with similar properties. This amino acid position is highly conserved in available vertebrate species. In addition, the in silico prediction for this alteration is inconclusive. Based on the available evidence, the clinical significance of this variant remains unclear.

Labcorp Genetics (formerly Invitae), Labcorp
Classification: Uncertain significance for Hereditary thrombocytopenia and hematological cancer predisposition syndrome associated with RUNX1. Last evaluated: 2022-06-07. Review status: criteria provided, single submitter. Criteria: Invitae Variant Classification Sherloc (09022015). Collection method: clinical testing. Allele origin: germline. Not counted in ClinVar's aggregate classification.
Comment: This sequence change replaces asparagine, which is neutral and polar, with lysine, which is basic and polar, at codon 260 of the RUNX1 protein (p.Asn260Lys). This variant is not present in population databases (gnomAD no frequency). This variant has not been reported in the literature in individuals affected with RUNX1-related conditions. ClinVar contains an entry for this variant (Variation ID: 841418). Algorithms developed to predict the effect of missense changes on protein structure and function are either unavailable or do not agree on the potential impact of this missense change (SIFT: "Tolerated"; PolyPhen-2: "Possibly Damaging"; Align-GVGD: "Class C0"). In summary, the available evidence is currently insufficient to determine the role of this variant in disease. Therefore, it has been classified as a Variant of Uncertain Significance.

Zotz-Klimas Genetics Lab, MVZ Zotz Klimas
Classification: Uncertain significance for Hereditary thrombocytopenia and hematological cancer predisposition syndrome associated with RUNX1. Last evaluated: 2023-10-30. Review status: no assertion criteria provided. Collection method: clinical testing. Allele origin: germline. Affected: yes. Not counted in ClinVar's aggregate classification.

NM_001754.5(RUNX1):c.780C>A (p.Asn260Lys)

Gene: RUNX1 (RUNX family transcription factor 1; minus strand). Cytogenetic location: 21q22.12.
Variant type: single nucleotide variant.
Coding change: c.780C>A on transcript NM_001754.5 (MANE Select); coding-DNA position 780, C replaced by A.
Protein change: p.Asn260Lys; replaces asparagine 260 with lysine.
Molecular consequence: missense variant.
Genome position (GRCh38, 1-based): chr21:34,834,435, G>T on the plus strand (C>A on the coding strand, the complement: RUNX1 is on the minus strand). VCF-style: chr21-34834435-G-T. GRCh37 (hg19) VCF-style: chr21-36206732-G-T.
Other names: NM_001754.5(RUNX1):c.780C>A; p.Asn260Lys; c.699C>A, p.Asn233Lys (NM_001001890.3, NM_001122607.2); short protein forms N233K, N260K.
Identifiers: ClinVar variation 841418 (VCV000841418.10), dbSNP rs2057111228, ClinGen allele CA410206704.